The following is an entry in ClinVar:

ClinVar aggregate classification (germline): Pathogenic (1 of 4 stars; one submission).

Conditions:
EPILEPSY, CHILDHOOD ABSENCE, SUSCEPTIBILITY TO, 2 (ECA2). Identifiers: Orphanet 64280, MedGen C1843244, OMIM 607681.
Febrile seizures, familial, 8 (FEB8). Also called: CONVULSIONS, FAMILIAL FEBRILE, 8. Identifiers: Orphanet 36387, MedGen C1969810, MONDO:0011891, OMIM 607681.

Submission:

Labcorp Genetics (formerly Invitae), Labcorp
Classification: Pathogenic for Febrile seizures, familial, 8; EPILEPSY, CHILDHOOD ABSENCE, SUSCEPTIBILITY TO, 2. Last evaluated: 2022-12-12. Review status: criteria provided, single submitter. Criteria: Invitae Variant Classification Sherloc (09022015). Collection method: clinical testing. Allele origin: germline.
Comment: For these reasons, this variant has been classified as Pathogenic. This variant has not been reported in the literature in individuals affected with GABRG2-related conditions. This variant is a gross deletion of the genomic region encompassing exon(s) 1 of the GABRG2 gene, which includes the initiator codon. This deletion extends beyond the assayed region for this gene and therefore may encompass additional genes. It is expected to result in an absent or disrupted protein product. Loss-of-function variants in GABRG2 are known to be pathogenic (PMID: 22539854, 22750526, 24407264).

Literature cited by the submitters: PubMed 22539854; PubMed 22750526; PubMed 24407264.

NC_000005.9:g.(?_161495006)_(161495132_?)del

Gene: GABRG2 (gamma-aminobutyric acid type A receptor subunit gamma2; plus strand). Cytogenetic location: 5q34.
Variant type: Deletion.
Identifiers: ClinVar variation 1459641 (VCV001459641.6).